The following is an entry in ClinVar:

ClinVar aggregate classification (germline): Pathogenic. Review status: criteria provided, multiple submitters, no conflicts (2 of 4 stars). 3 submissions from 3 submitters: Pathogenic (3). Last evaluated 2026-09-22.

Conditions:
Retinitis pigmentosa 39 (RP39). Identifiers: Orphanet 791, MedGen C3151138, MONDO:0013436, OMIM 613809.
USH2A-related disorder. Also called: USH2A-related condition; USH2A-related disorders. Identifiers: MedGen CN239332.

Submissions (3):

PreventionGenetics, part of Exact Sciences
Classification: Pathogenic for USH2A-related condition. Last evaluated: 2026-09-22. Review status: criteria provided, single submitter. Criteria: ACMG Guidelines, 2015. Collection method: clinical testing. Allele origin: germline.
Comment: The USH2A c.9811delA variant is predicted to result in a frameshift and premature protein termination (p.Met3271Cysfs*30). This variant has been reported reported in individuals with Usher syndrome (Sodi et al. 2014. PubMed ID: 25558175; Colombo et al. 2022. PubMed ID: 34781295; Table S1, Karali et al. 2022. PubMed ID: 36460718). This variant is reported in 0.00088% of alleles in individuals of European (Non-Finnish) descent in gnomAD. Frameshift variants in USH2A are expected to be pathogenic. This variant is interpreted as pathogenic.

Baylor Genetics
Classification: Pathogenic for Retinitis pigmentosa 39. Last evaluated: 2023-03-16. Review status: criteria provided, single submitter. Criteria: ACMG Guidelines, 2015. Collection method: clinical testing. Allele origin: unknown.

Labcorp Genetics (formerly Invitae), Labcorp
Classification: Pathogenic. Last evaluated: 2022-10-24. Review status: criteria provided, single submitter. Criteria: Invitae Variant Classification Sherloc (09022015). Collection method: clinical testing. Allele origin: germline.
Comment: For these reasons, this variant has been classified as Pathogenic. ClinVar contains an entry for this variant (Variation ID: 853741). This premature translational stop signal has been observed in individual(s) with Usher syndrome type II (PMID: 25558175, 25575603). In at least one individual the data is consistent with being in trans (on the opposite chromosome) from a pathogenic variant. This variant is present in population databases (rs767328784, gnomAD 0.0009%). This sequence change creates a premature translational stop signal (p.Met3271Cysfs*30) in the USH2A gene. It is expected to result in an absent or disrupted protein product. Loss-of-function variants in USH2A are known to be pathogenic (PMID: 10729113, 10909849, 20507924, 25649381).

Literature cited by the submitters: PubMed 25558175 (cited by Labcorp Genetics (formerly Invitae), Labcorp); PubMed 25575603 (cited by Labcorp Genetics (formerly Invitae), Labcorp); PubMed 10729113 (cited by Labcorp Genetics (formerly Invitae), Labcorp); PubMed 10909849 (cited by Labcorp Genetics (formerly Invitae), Labcorp); PubMed 20507924 (cited by Labcorp Genetics (formerly Invitae), Labcorp); PubMed 25649381 (cited by Labcorp Genetics (formerly Invitae), Labcorp).

NM_206933.4(USH2A):c.9811del (p.Met3271fs)

Gene: USH2A (usherin; minus strand). Cytogenetic location: 1q41.
Variant type: Deletion.
Coding change: c.9811del on transcript NM_206933.4 (MANE Select); coding-DNA position 9811, one base deleted (A; older notation c.9811delA).
Protein change: p.Met3271fs; shifts the reading frame from methionine 3271.
Molecular consequence: frameshift variant.
Genome position (GRCh38, 1-based): chr1:215,799,054, T deleted on the plus strand (A on the coding strand, the reverse complement: USH2A is on the minus strand); the first of 2 consecutive T bases (chr1:215,799,054-215,799,055); deleting either gives the same sequence. VCF-style (leftmost placement, unchanged base first): chr1-215799053-AT-A. GRCh37 (hg19) VCF-style: chr1-215972395-AT-A.
Other names: c.9811delA (NM_206933.2); short protein forms M3271fs.
Identifiers: ClinVar variation 853741 (VCV000853741.11), dbSNP rs767328784, ClinGen allele CA1394201.
Genomic context (GRCh38, chr1:215,799,053, plus strand): 5'-CCATGGCCATCATGAAGCCTCCCAGCACAGCAAATCTGGTTTCCTGAGGTGGAGTACGGC[AT>A]TCTGCCACAGCAGGAATCACCAATGCCAACAGAAACCCGATTGTGCTGTTCATCTGGACA-3'